The following is an entry in ClinVar:

NM_199242.3(UNC13D):c.653G>A (p.Gly218Glu)

Gene: UNC13D (unc-13 homolog D; minus strand). Cytogenetic location: 17q25.1.
Variant type: single nucleotide variant.
Coding change: c.653G>A on transcript NM_199242.3 (MANE Select); coding-DNA position 653, G replaced by A.
Protein change: p.Gly218Glu; replaces glycine 218 with glutamic acid.
Molecular consequence: missense variant.
Genome position (GRCh38, 1-based): chr17:75,840,792, C>T on the plus strand (G>A on the coding strand, the complement: UNC13D is on the minus strand). VCF-style: chr17-75840792-C-T. GRCh37 (hg19) VCF-style: chr17-73836873-C-T.
Other names: short protein forms G218E.
Identifiers: ClinVar variation 4086360 (VCV004086360.1).
Genomic context (GRCh38, chr17:75,840,792, plus strand): 5'-CCCCTTCCCTGTGAGCCCTGCAACACGAACCTGCGAAGCCCATGCAGATCCGTGAGCTCC[C>T]CAAGCTTCTGTCGGACAGACTCCACAGTGTCCAGGTCCCTGGCAGGACAGAGGTTTGAGA-3'
Protein context (NP_954712.1, residues 208-228): DTVESVRQKL[Gly218Glu]ELTDLHGLRR

ClinVar aggregate classification (germline): Uncertain significance (1 of 4 stars; one submission).

Submission:

GeneDx
Classification: Uncertain significance. Last evaluated: 2025-03-19. Review status: criteria provided, single submitter. Criteria: GeneDx Variant Classification Process June 2021. Collection method: clinical testing. Allele origin: germline. Affected: yes.
Comment: Not observed at significant frequency in large population cohorts (gnomAD); In silico analysis indicates that this missense variant does not alter protein structure/function; Has not been previously published as pathogenic or benign to our knowledge